The following is an entry in ClinVar:

NM_000214.3(JAG1):c.3169G>C (p.Val1057Leu)

Gene: JAG1 (jagged canonical Notch ligand 1; minus strand). Cytogenetic location: 20p12.2.
Variant type: single nucleotide variant.
Coding change: c.3169G>C on transcript NM_000214.3 (MANE Select); coding-DNA position 3169, G replaced by C.
Protein change: p.Val1057Leu; replaces valine 1057 with leucine.
Molecular consequence: missense variant.
Genome position (GRCh38, 1-based): chr20:10,640,813, C>G on the plus strand (G>C on the coding strand, the complement: JAG1 is on the minus strand). VCF-style: chr20-10640813-C-G. GRCh37 (hg19) VCF-style: chr20-10621461-C-G.
Other names: short protein forms V1057L.
Identifiers: ClinVar variation 1728398 (VCV001728398.8), dbSNP rs374758954, ClinGen allele CA408243967.
Genomic context (GRCh38, chr20:10,640,813, plus strand): 5'-TCACACAAACTAGTCCCACTTGACACCTACCTGTTCTGTTCTTCAGAGGCCGCCTCTGAA[C>G]TCTTACTTCTGCAACGGCAGCAATCAGCGAGCTGTTTCCATCACGTTTACTAACAAGATC-3'
Protein context (NP_000205.1, residues 1047-1067): SLIAAVAEVR[Val1057Leu]QRRPLKNRTD

ClinVar aggregate classification (germline): Uncertain significance. Review status: criteria provided, multiple submitters, no conflicts (2 of 4 stars). 3 submissions from 3 submitters: Uncertain significance (3). Last evaluated 2026-02-11.

Conditions:
Cardiovascular phenotype. Identifiers: MedGen CN230736.
Alagille syndrome due to a JAG1 point mutation. Also called: HEPATIC DUCTULAR HYPOPLASIA, SYNDROMATIC; JAG1-Related Alagille Syndrome; Alagille Syndrome 1. Identifiers: Orphanet 261619, Orphanet 52, MedGen C1956125, MONDO:0016862, OMIM 118450.
JAG1-related disorder. Also called: JAG1-related disorders; JAG1-related condition.

gnomAD v4.1: 2 of 1,614,090 alleles (0.00012%); highest among the groups gnomAD compares: African/African-American, 0.0027%; no homozygotes.

Submissions (3):

PreventionGenetics, part of Exact Sciences
Classification: Uncertain significance for JAG1-related condition. Last evaluated: 2026-02-11. Review status: criteria provided, single submitter. Criteria: ACMG Guidelines, 2015. Collection method: clinical testing. Allele origin: germline.
Comment: The JAG1 c.3169G>C variant is predicted to result in the amino acid substitution p.Val1057Leu. To our knowledge, this variant has not been reported in the literature or in a large population database (gnomAD), indicating this variant is rare. At this time, the clinical significance of this variant is uncertain due to the absence of conclusive functional and genetic evidence.

Labcorp Genetics (formerly Invitae), Labcorp
Classification: Uncertain significance for Alagille syndrome due to a JAG1 point mutation. Last evaluated: 2025-01-23. Review status: criteria provided, single submitter. Criteria: Invitae Variant Classification Sherloc (09022015). Collection method: clinical testing. Allele origin: germline.
Comment: This sequence change replaces valine, which is neutral and non-polar, with leucine, which is neutral and non-polar, at codon 1057 of the JAG1 protein (p.Val1057Leu). This variant is not present in population databases (gnomAD no frequency). This variant has not been reported in the literature in individuals affected with JAG1-related conditions. ClinVar contains an entry for this variant (Variation ID: 1728398). Invitae Evidence Modeling of protein sequence and biophysical properties (such as structural, functional, and spatial information, amino acid conservation, physicochemical variation, residue mobility, and thermodynamic stability) indicates that this missense variant is not expected to disrupt JAG1 protein function with a negative predictive value of 95%. In summary, the available evidence is currently insufficient to determine the role of this variant in disease. Therefore, it has been classified as a Variant of Uncertain Significance.

Ambry Genetics
Classification: Uncertain significance for Cardiovascular phenotype. Last evaluated: 2022-08-17. Review status: criteria provided, single submitter. Criteria: Ambry Variant Classification Scheme 2023. Collection method: clinical testing. Allele origin: germline.
Comment: The p.V1057L variant (also known as c.3169G>C), located in coding exon 25 of the JAG1 gene, results from a G to C substitution at nucleotide position 3169. The valine at codon 1057 is replaced by leucine, an amino acid with highly similar properties. This amino acid position is conserved. In addition, the in silico prediction for this alteration is inconclusive. Since supporting evidence is limited at this time, the clinical significance of this alteration remains unclear.